The following is an entry in ClinVar:

NM_006180.6(NTRK2):c.136A>C (p.Ser46Arg)

Gene: NTRK2 (neurotrophic receptor tyrosine kinase 2; plus strand). Cytogenetic location: 9q21.33.
Variant type: single nucleotide variant.
Coding change: c.136A>C on transcript NM_006180.6 (MANE Select); coding-DNA position 136, A replaced by C.
Protein change: p.Ser46Arg; replaces serine 46 with arginine.
Molecular consequence: missense variant.
Genome position (GRCh38, 1-based): chr9:84,670,884, A>C. VCF-style: chr9-84670884-A-C. GRCh37 (hg19) VCF-style: chr9-87285799-A-C.
Other names: c.136A>C, p.Ser46Arg (NM_001007097.3, NM_001018064.3, NM_001018065.2 and 19 more transcripts); short protein forms S46R.
Identifiers: ClinVar variation 2634250 (VCV002634250.1), dbSNP rs1211901247, ClinGen allele CA374004813.

ClinVar aggregate classification (germline): Uncertain significance (1 of 4 stars; one submission).

Conditions:
NTRK2-related disorder. Also called: NTRK2-related condition.

Allele frequency attached by ClinVar (database versions not stated): gnomAD 0.00001; TOPMed 0.00002.
gnomAD v4.1: 1 of 1,613,188 alleles (0.000062%); highest among the groups gnomAD compares: African/African-American, 0.0013%; no homozygotes.

Submission:

PreventionGenetics, part of Exact Sciences
Classification: Uncertain significance for NTRK2-related condition. Last evaluated: 2023-08-01. Review status: criteria provided, single submitter. Criteria: ACMG Guidelines, 2015. Collection method: clinical testing. Allele origin: germline.
Comment: The NTRK2 c.136A>C variant is predicted to result in the amino acid substitution p.Ser46Arg. To our knowledge, this variant has not been reported in the literature or in a large population database, indicating this variant is rare. At this time, the clinical significance of this variant is uncertain due to the absence of conclusive functional and genetic evidence.